The following is an entry in ClinVar:

NM_000021.4(PSEN1):c.908C>T (p.Pro303Leu)

Gene: PSEN1 (presenilin 1; plus strand). Cytogenetic location: 14q24.2.
Variant type: single nucleotide variant.
Coding change: c.908C>T on transcript NM_000021.4 (MANE Select); coding-DNA position 908, C replaced by T.
Protein change: p.Pro303Leu; replaces proline 303 with leucine.
Molecular consequence: missense variant.
Genome position (GRCh38, 1-based): chr14:73,206,425, C>T. VCF-style: chr14-73206425-C-T. GRCh37 (hg19) VCF-style: chr14-73673133-C-T.
Other names: c.896C>T, p.Pro299Leu (NM_007318.3); short protein forms P299L, P303L.
Identifiers: ClinVar variation 2948542 (VCV002948542.4), dbSNP rs147638016, ClinGen allele CA262616821.
Genomic context (GRCh38, chr14:73,206,425, plus strand): 5'-GAATTTTGTCTTTCCCAACAGCAACAATGGTGTGGTTGGTGAATATGGCAGAAGGAGACC[C>T]GGAAGCTCAAAGGAGAGTATCCAAAAATTCCAAGTATAATGCAGAAAGTAGGTAACTTTT-3'
Protein context (NP_000012.1, residues 293-313): VWLVNMAEGD[Pro303Leu]EAQRRVSKNS

ClinVar aggregate classification (germline): Uncertain significance. Review status: criteria provided, multiple submitters, no conflicts (2 of 4 stars). 2 submissions from 2 submitters: Uncertain significance (2). Last evaluated 2026-02-16.

Conditions:
Pick disease. Also called: PICK DISEASE OF BRAIN; DEMENTIA WITH LOBAR ATROPHY AND NEURONAL CYTOPLASMIC INCLUSIONS; LOBAR ATROPHY OF BRAIN; Pick's disease; Pick Disease of the Brain. Identifiers: Orphanet 282, MedGen C0236642, MONDO:0008243, OMIM 172700.
Frontotemporal dementia (FTD1). Also called: FRONTOTEMPORAL DEMENTIA WITH PARKINSONISM; FRONTOTEMPORAL LOBE DEMENTIA; MULTIPLE SYSTEM TAUOPATHY WITH PRESENILE DEMENTIA; Dementia, frontotemporal, with or without parkinsonism; WILHELMSEN-LYNCH DISEASE; Frontotemporal lobe dementia (FLDEM). Identifiers: Orphanet 282, MedGen C0338451, MONDO:0017276, OMIM 600274, HP:0002145.
Alzheimer disease 3 (AD3). Also called: ALZHEIMER DISEASE, FAMILIAL, 3. Identifiers: Orphanet 1020, MedGen C1843013, MONDO:0011913, OMIM 607822.
Acne inversa, familial, 3 (ACNINV3). Identifiers: MedGen C3151038, MONDO:0013398, OMIM 613737.

Allele frequency attached by ClinVar (database versions not stated): gnomAD exomes 0.00001; ESP Exome Variant Server 0.00008.
gnomAD v4.1: 11 of 1,613,962 alleles (0.00068%); highest among the groups gnomAD compares: East Asian, 0.0022%; no homozygotes.

Submissions (2):

Women's Health and Genetics/Laboratory Corporation of America, LabCorp
Classification: Uncertain significance. Last evaluated: 2026-02-16. Review status: criteria provided, single submitter. Criteria: LabCorp Variant Classification Summary - May 2015. Collection method: clinical testing. Allele origin: germline.
Comment: Variant summary: PSEN1 c.908C>T (p.Pro303Leu) results in a non-conservative amino acid change in the encoded protein sequence. Algorithms developed to predict the effect of missense changes on protein structure and function all suggest that this variant is likely to be disruptive. The variant allele was found at a frequency of 8e-06 in 251412 control chromosomes. The available data on variant occurrences in the general population are insufficient to allow any conclusion about variant significance. c.908C>T has been observed in individual(s) affected with Parkinson Disease or Frontotemporal Dementia (Ibanez_2018, Koriath_2020). These report(s) do not provide unequivocal conclusions about association of the variant with Alzheimer Disease, Type 3. To our knowledge, no experimental evidence demonstrating an impact on protein function has been reported. The following publications have been ascertained in the context of this evaluation (PMID: 29692703, 30279455). ClinVar contains an entry for this variant (Variation ID: 2948542). Based on the evidence outlined above, the variant was classified as uncertain significance.

Labcorp Genetics (formerly Invitae), Labcorp
Classification: Uncertain significance for Alzheimer disease 3; Pick disease; Acne inversa, familial, 3; Frontotemporal dementia. Last evaluated: 2025-06-12. Review status: criteria provided, single submitter. Criteria: Invitae Variant Classification Sherloc (09022015). Collection method: clinical testing. Allele origin: germline.
Comment: This sequence change replaces proline, which is neutral and non-polar, with leucine, which is neutral and non-polar, at codon 303 of the PSEN1 protein (p.Pro303Leu). This variant is present in population databases (rs147638016, gnomAD 0.0009%). This missense change has been observed in individual(s) with frontotemporal dementia or Parkinson disease (PMID: 29692703, 30279455). ClinVar contains an entry for this variant (Variation ID: 2948542). Invitae Evidence Modeling of protein sequence and biophysical properties (such as structural, functional, and spatial information, amino acid conservation, physicochemical variation, residue mobility, and thermodynamic stability) has been performed for this missense variant. However, the output from this modeling did not meet the statistical confidence thresholds required to predict the impact of this variant on PSEN1 protein function. In summary, the available evidence is currently insufficient to determine the role of this variant in disease. Therefore, it has been classified as a Variant of Uncertain Significance.

Literature cited by the submitters: PubMed 30279455 (cited by Women's Health and Genetics/Laboratory Corporation of America, LabCorp and Labcorp Genetics (formerly Invitae), Labcorp); PubMed 29692703 (cited by Women's Health and Genetics/Laboratory Corporation of America, LabCorp and Labcorp Genetics (formerly Invitae), Labcorp).